The following is an entry in ClinVar:

NM_000431.4(MVK):c.1136T>A (p.Ile379Asn)

Gene: MVK (mevalonate kinase; plus strand). Cytogenetic location: 12q24.11.
Variant type: single nucleotide variant.
Coding change: c.1136T>A on transcript NM_000431.4 (MANE Select); coding-DNA position 1136, T replaced by A.
Protein change: p.Ile379Asn; replaces isoleucine 379 with asparagine.
Molecular consequence: missense variant. On other transcripts: 3 prime UTR variant (2), non-coding transcript variant (4).
Genome position (GRCh38, 1-based): chr12:109,596,522, T>A. VCF-style: chr12-109596522-T-A. GRCh37 (hg19) VCF-style: chr12-110034327-T-A.
Other names: c.1136T>A, p.Ile379Asn (NM_001114185.3, NM_001414511.1); c.980T>A, p.Ile327Asn (NM_001301182.2); c.1211T>A, p.Ile404Asn (NM_001414512.1); c.*55T>A (NM_001414513.1, NM_001414514.1); c.554T>A, p.Ile185Asn (NM_001414515.1); short protein forms I404N, I327N, I379N, I185N.
Identifiers: ClinVar variation 5004084 (VCV005004084.1).

ClinVar aggregate classification (germline): Uncertain significance (1 of 4 stars; one submission).

Conditions:
Deficiency of mevalonate kinase. Also called: Mevalonate kinase deficiency. Identifiers: Orphanet 309025, MedGen C0342731, MONDO:0017708.

Submission:

Myriad Genetics, Inc.
Classification: Uncertain significance for Deficiency of mevalonate kinase. Last evaluated: 2025-07-31. Review status: criteria provided, single submitter. Criteria: Myriad Autosomal Dominant, Autosomal Recessive and X-Linked Classification Criteria (2023). Collection method: clinical testing. Allele origin: unknown.
Comment: NM_000431.2(MVK):c.1136T>A(I379N) is a missense variant classified as a variant of uncertain significance in the context of mevalonate kinase deficiency. I379N has been observed in a case with relevant disease (PMID: 22740624). Relevant functional assessments of this variant are not available in the literature. I379N has not been observed in referenced population frequency databases. In summary, there is insufficient evidence to classify NM_000431.2(MVK):c.1136T>A(I379N) as pathogenic or benign. Please note: this variant was assessed in the context of healthy population screening.

Literature cited by the submitters: PubMed 22740624.